The following is an entry in ClinVar:

ClinVar aggregate classification (germline): Uncertain significance (1 of 4 stars; one submission).

Submission:

Women's Health and Genetics/Laboratory Corporation of America, LabCorp
Classification: Uncertain significance. Last evaluated: 2025-03-05. Review status: criteria provided, single submitter. Criteria: LabCorp Variant Classification Summary - May 2015. Collection method: clinical testing. Allele origin: germline.
Comment: Variant summary: SCN2A c.3169A>G (p.Thr1057Ala) results in a non-conservative amino acid change located in the Sodium ion transport-associated domain (IPR010526) of the encoded protein sequence. Five of five in-silico tools predict a damaging effect of the variant on protein function. The variant was absent in 251244 control chromosomes. The available data on variant occurrences in the general population are insufficient to allow any conclusion about variant significance. To our knowledge, no occurrence of c.3169A>G in individuals affected with Early Infantile Epileptic Encephalopathy 11 and no experimental evidence demonstrating its impact on protein function have been reported. No submitters have cited clinical-significance assessments for this variant to ClinVar. Based on the evidence outlined above, the variant was classified as uncertain significance.

NM_001040142.2(SCN2A):c.3169A>G (p.Thr1057Ala)

Gene: SCN2A (sodium voltage-gated channel alpha subunit 2; plus strand). Cytogenetic location: 2q24.3.
Variant type: single nucleotide variant.
Coding change: c.3169A>G on transcript NM_001040142.2 (MANE Select); coding-DNA position 3169, A replaced by G.
Protein change: p.Thr1057Ala; replaces threonine 1057 with alanine.
Molecular consequence: missense variant.
Genome position (GRCh38, 1-based): chr2:165,354,441, A>G. VCF-style: chr2-165354441-A-G. GRCh37 (hg19) VCF-style: chr2-166210951-A-G.
Other names: c.3169A>G, p.Thr1057Ala (NM_001040143.2, NM_001371246.1, NM_001371247.1 and 1 more transcripts); short protein forms T1057A.
Identifiers: ClinVar variation 3895831 (VCV003895831.1).